The following is an entry in ClinVar:

NM_001114122.3(CHEK1):c.598G>T (p.Ala200Ser)

Gene: CHEK1 (checkpoint kinase 1; plus strand). Cytogenetic location: 11q24.2.
Variant type: single nucleotide variant.
Coding change: c.598G>T on transcript NM_001114122.3 (MANE Select); coding-DNA position 598, G replaced by T.
Protein change: p.Ala200Ser; replaces alanine 200 with serine.
Molecular consequence: missense variant. On other transcripts: non-coding transcript variant (2).
Genome position (GRCh38, 1-based): chr11:125,633,336, G>T. VCF-style: chr11-125633336-G-T. GRCh37 (hg19) VCF-style: chr11-125503231-G-T.
Other names: p.Ala200Ser; c.598G>T, p.Ala200Ser (NM_001114121.2, NM_001244846.1, NM_001274.5); c.295G>T, p.Ala99Ser (NM_001330427.2); c.316G>T, p.Ala106Ser (NM_001330428.1); short protein forms A106S, A200S, A99S.
Identifiers: ClinVar variation 4849890 (VCV004849890.1).

ClinVar aggregate classification (germline): Uncertain significance (1 of 4 stars; one submission).

Conditions:
Oocyte/zygote/embryo maturation arrest 21 (OZEMA21). Identifiers: MedGen C5882722, MONDO:0957961, OMIM 620610.

Submission:

Department of Molecular Genetics, Istishari Arab Hospital
Classification: Uncertain significance for Oocyte/zygote/embryo maturation arrest 21. Last evaluated: 2026-04-29. Review status: criteria provided, single submitter. Criteria: ACMG Guidelines, 2015. Collection method: clinical testing. Allele origin: germline. Inheritance: Autosomal dominant inheritance. Affected: yes.
Comment: The CHEK1 variant c.598G>T, p.Ala200Ser causes an amino acid change from Ala to Ser at position 200 in exon no. 6 (out of 13 exons). This variant is not found in the gnomAD database and, to the best of our knowledge, has not been reported in the literature. It is classified as a variant of uncertain significance according to the recommendations of ACMG/AMP/ClinGen SVI guidelines.